The following is an entry in ClinVar:

ClinVar aggregate classification (germline): Uncertain significance (1 of 4 stars; one submission).

Conditions:
Inborn genetic diseases. Identifiers: MedGen C0950123, MeSH D030342.

Allele frequency attached by ClinVar (database versions not stated): gnomAD 0.00001.
gnomAD v4.1: 1 of 1,189,260 alleles (0.000084%); highest among the groups gnomAD compares: African/African-American, 0.0017%; no homozygotes.

Submission:

Ambry Genetics
Classification: Uncertain significance for Inborn genetic diseases. Last evaluated: 2020-03-28. Review status: criteria provided, single submitter. Criteria: Ambry Variant Classification Scheme 2023. Collection method: clinical testing. Allele origin: germline.
Comment: The p.D141E variant (also known as c.423C>G), located in coding exon 1 of the NHS gene, results from a C to G substitution at nucleotide position 423. The aspartic acid at codon 141 is replaced by glutamic acid, an amino acid with highly similar properties. This amino acid position is highly conserved in available vertebrate species. In addition, this alteration is predicted to be tolerated by in silico analysis. Since supporting evidence is limited at this time, the clinical significance of this alteration remains unclear.

NM_001291867.2(NHS):c.423C>G (p.Asp141Glu)

Gene: NHS (NHS actin remodeling regulator; plus strand). Cytogenetic location: Xp22.2.
Variant type: single nucleotide variant.
Coding change: c.423C>G on transcript NM_001291867.2 (MANE Select); coding-DNA position 423, C replaced by G.
Protein change: p.Asp141Glu; replaces aspartic acid 141 with glutamic acid.
Molecular consequence: missense variant.
Genome position (GRCh38, 1-based): chrX:17,376,180, C>G. VCF-style: chrX-17376180-C-G. GRCh37 (hg19) VCF-style: chrX-17394303-C-G.
Other names: c.423C>G, p.Asp141Glu (NM_198270.4); short protein forms D141E.
Identifiers: ClinVar variation 1738967 (VCV001738967.2), dbSNP rs1007584631, ClinGen allele CA327283557.
Genomic context (GRCh38, chrX:17,376,180, plus strand): 5'-GCTGGACCTATGCGCGGTCAGCAACGCCGCTCTGGCCCGTGTCCTCCGGCAGCTCTCGGA[C>G]GTGGCCCGGCACGCTTGCAGCCTCTTCCAGGAGCTCGAGAGCGACATCCAGCTCACCCAC-3'
Protein context (NP_001278796.1, residues 131-151): ALARVLRQLS[Asp141Glu]VARHACSLFQ